The following is an entry in ClinVar:

NM_001165963.4(SCN1A):c.5767C>A (p.Gln1923Lys)

Genes: SCN1A (sodium voltage-gated channel alpha subunit 1; minus strand), LOC102724058 (uncharacterized LOC102724058; plus strand). Cytogenetic location: 2q24.3.
Variant type: single nucleotide variant.
Coding change: c.5767C>A on transcript NM_001165963.4 (MANE Select); coding-DNA position 5767, C replaced by A.
Protein change: p.Gln1923Lys; replaces glutamine 1923 with lysine.
Molecular consequence: missense variant. On other transcripts: non-coding transcript variant (1).
Genome position (GRCh38, 1-based): chr2:165,991,508, G>T on the plus strand (C>A on the coding strand, the complement: SCN1A is on the minus strand). VCF-style: chr2-165991508-G-T. GRCh37 (hg19) VCF-style: chr2-166848018-G-T.
Other names: c.5683C>A, p.Gln1895Lys (NM_001165964.3, NM_001353957.2, NM_001353958.2); c.5767C>A, p.Gln1923Lys (NM_001202435.3, NM_001353948.2); c.5734C>A, p.Gln1912Lys (NM_001353949.2, NM_001353950.2, NM_001353951.2 and 2 more transcripts); c.5731C>A, p.Gln1911Lys (NM_001353954.2, NM_001353955.2); c.5680C>A, p.Gln1894Lys (NM_001353960.2); c.3325C>A, p.Gln1109Lys (NM_001353961.2); short protein forms Q1109K, Q1894K, Q1895K, Q1923K, Q1911K, Q1912K.
Identifiers: ClinVar variation 650819 (VCV000650819.9), dbSNP rs1553519865, ClinGen allele CA349064054.

ClinVar aggregate classification (germline): Likely pathogenic (1 of 4 stars; one submission).

Conditions:
Early-infantile DEE. Also called: Early infantile epileptic encephalopathy with suppression bursts; Early infantile epileptic encephalopathy; Ohtahara syndrome. Identifiers: Orphanet 1934, MedGen C0393706, MONDO:0800491.

Submission:

Labcorp Genetics (formerly Invitae), Labcorp
Classification: Likely pathogenic for Early-infantile DEE. Last evaluated: 2020-02-01. Review status: criteria provided, single submitter. Criteria: Invitae Variant Classification Sherloc (09022015). Collection method: clinical testing. Allele origin: germline.
Comment: In summary, the currently available evidence indicates that the variant is pathogenic, but additional data are needed to prove that conclusively. Therefore, this variant has been classified as Likely Pathogenic. Algorithms developed to predict the effect of missense changes on protein structure and function (SIFT, PolyPhen-2, Align-GVGD) all suggest that this variant is likely to be disruptive, but these predictions have not been confirmed by published functional studies and their clinical significance is uncertain. This variant is not present in population databases (ExAC no frequency). This sequence change replaces glutamine with lysine at codon 1923 of the SCN1A protein (p.Gln1923Lys). The glutamine residue is highly conserved and there is a small physicochemical difference between glutamine and lysine.